The following is an entry in ClinVar:

ClinVar aggregate classification (germline): Likely benign. Review status: reviewed by expert panel (3 of 4 stars). 10 submissions from 10 submitters: Likely benign (1). 9 of the submissions do not count toward it. Last evaluated 2017-06-29.

Conditions:
Hereditary breast ovarian cancer syndrome. Also called: Hereditary breast and ovarian cancer syndrome; Hereditary breast and ovarian cancer syndrome (HBOC); BRCA1- and BRCA2-Associated Hereditary Breast and Ovarian Cancer; Breast and ovarian cancer; Hereditary breast and ovarian cancer; Hereditary breast and/or ovarian cancer syndrome. Identifiers: Orphanet 145, MedGen C0677776, MeSH D061325, MONDO:0003582. Disease mechanism: loss of function.
Hereditary cancer-predisposing syndrome. Also called: Hereditary Cancer Syndrome; Hereditary neoplastic syndrome; Tumor predisposition; Neoplastic Syndromes, Hereditary. Identifiers: Orphanet 140162, MedGen C0027672, MeSH D009386, MONDO:0015356.
Familial cancer of breast. Also called: BREAST CANCER, FAMILIAL; Hereditary breast cancer; hereditary breast carcinoma. Identifiers: Orphanet 227535, MedGen C0346153, MONDO:0016419, OMIM 114480. Disease mechanism: loss of function.
Fanconi anemia, complementation group S (FANCS). Identifiers: MedGen C4554406, MONDO:0054748, OMIM 617883.
Breast-ovarian cancer, familial, susceptibility to, 1 (BROVCA1). Also called: OVARIAN CANCER, SUSCEPTIBILITY TO; BRCA1 Hereditary Breast and Ovarian Cancer. Identifiers: Orphanet 145, MedGen C2676676, MONDO:0011450, OMIM 604370. Disease mechanism: loss of function.

Allele frequency attached by ClinVar (database versions not stated): gnomAD exomes 0.00001; TOPMed 0.00001.
gnomAD v4.1: 11 of 1,614,142 alleles (0.00068%); highest among the groups gnomAD compares: Admixed American, 0.0017%; no homozygotes.

Submissions (10):

Evidence-based Network for the Interpretation of Germline Mutant Alleles (ENIGMA)
Classification: Likely benign for Breast-ovarian cancer, familial, susceptibility to, 1. Last evaluated: 2017-06-29. Review status: reviewed by expert panel. Criteria: ENIGMA BRCA1/2 Classification Criteria (2017-06-29). Collection method: curation. Allele origin: germline.
Comment: Synonymous substitution variant, with low bioinformatic likelihood to result in a splicing aberration (Splicing prior probability 0.02).

Labcorp Genetics (formerly Invitae), Labcorp
Classification: Likely benign for Hereditary breast ovarian cancer syndrome. Last evaluated: 2025-11-25. Review status: criteria provided, single submitter. Criteria: Invitae Variant Classification Sherloc (09022015). Collection method: clinical testing. Allele origin: germline. Not counted in ClinVar's aggregate classification.

All of Us Research Program, National Institutes of Health
Classification: Likely benign for Breast-ovarian cancer, familial, susceptibility to, 1. Last evaluated: 2023-12-01. Review status: criteria provided, single submitter. Criteria: ACMG Guidelines, 2015. Collection method: clinical testing. Allele origin: germline. Inheritance: Autosomal dominant inheritance. Observed: 5 variant alleles, 5 heterozygotes. Not counted in ClinVar's aggregate classification.
Comment: This study involves interpretation of variants in research participants for the purpose of population health screening. Participant phenotype was not available at the time of variant classification. Additional details can be found in publication PMID: 35346344, PMCID: PMC8962531

Blueprint Genetics
Classification: Likely benign. Last evaluated: 2021-10-06. Review status: criteria provided, single submitter. Criteria: ACMG Guidelines, 2015. Collection method: clinical testing. Allele origin: germline. Not counted in ClinVar's aggregate classification.

Department of Pathology and Laboratory Medicine, Sinai Health System
Classification: Uncertain significance for Familial cancer of breast; Breast-ovarian cancer, familial, susceptibility to, 1; Fanconi anemia, complementation group S. Last evaluated: 2019-10-04. Review status: criteria provided, single submitter. Criteria: ACMG Guidelines, 2015. Collection method: clinical testing. Allele origin: germline. Affected: yes. Not counted in ClinVar's aggregate classification.

Women's Health and Genetics/Laboratory Corporation of America, LabCorp
Classification: Likely benign. Last evaluated: 2019-08-21. Review status: criteria provided, single submitter. Criteria: LabCorp Variant Classification Summary - May 2015. Collection method: clinical testing. Allele origin: germline. Not counted in ClinVar's aggregate classification.

Genetic Services Laboratory, University of Chicago
Classification: Likely benign. Last evaluated: 2019-08-14. Review status: criteria provided, single submitter. Criteria: ACMG Guidelines, 2015. Collection method: clinical testing. Allele origin: germline. Affected: no. Not counted in ClinVar's aggregate classification.

GeneDx
Classification: Likely benign. Last evaluated: 2017-05-05. Review status: criteria provided, single submitter. Criteria: GeneDx Variant Classification (06012015). Collection method: clinical testing. Allele origin: germline. Affected: yes. Not counted in ClinVar's aggregate classification.
Comment: This variant is considered likely benign or benign based on one or more of the following criteria: it is a conservative change, it occurs at a poorly conserved position in the protein, it is predicted to be benign by multiple in silico algorithms, and/or has population frequency not consistent with disease.

Color Diagnostics, LLC DBA Color Health
Classification: Likely benign for Hereditary cancer-predisposing syndrome. Last evaluated: 2016-06-06. Review status: criteria provided, single submitter. Criteria: ACMG Guidelines, 2015. Collection method: clinical testing. Allele origin: germline. Not counted in ClinVar's aggregate classification.

Ambry Genetics
Classification: Likely benign for Hereditary cancer-predisposing syndrome. Last evaluated: 2016-03-22. Review status: criteria provided, single submitter. Criteria: Ambry Variant Classification Scheme 2023. Collection method: clinical testing. Allele origin: germline. Not counted in ClinVar's aggregate classification.

NM_007294.4(BRCA1):c.1875A>G (p.Leu625=)

Gene: BRCA1 (BRCA1 DNA repair associated; minus strand). Cytogenetic location: 17q21.31.
Variant type: single nucleotide variant.
Coding change: c.1875A>G on transcript NM_007294.4 (MANE Select); coding-DNA position 1875, A replaced by G.
Protein change: p.Leu625=; no amino-acid change (leucine 625 retained).
Molecular consequence: synonymous variant. On other transcripts: intron variant (137).
Genome position (GRCh38, 1-based): chr17:43,093,656, T>C on the plus strand (A>G on the coding strand, the complement: BRCA1 is on the minus strand). VCF-style: chr17-43093656-T-C. GRCh37 (hg19) VCF-style: chr17-41245673-T-C.
Other names: c.1662A>G, p.Leu554= (NM_001407571.1, NM_001407853.1, NM_001407894.1 and 9 more transcripts); c.1875A>G, p.Leu625= (NM_001407581.1, NM_001407582.1, NM_001407583.1 and 30 more transcripts); c.1872A>G, p.Leu624= (NM_001407587.1, NM_001407590.1, NM_001407591.1 and 22 more transcripts); c.1866A>G, p.Leu622= (NM_001407646.1, NM_001407647.1); c.1752A>G, p.Leu584= (NM_001407648.1, NM_001407664.1, NM_001407665.1 and 19 more transcripts); c.1749A>G, p.Leu583= (NM_001407649.1, NM_001407670.1, NM_001407671.1 and 11 more transcripts); c.1797A>G, p.Leu599= (NM_001407653.1, NM_001407654.1, NM_001407655.1 and 4 more transcripts); c.1794A>G, p.Leu598= (NM_001407659.1, NM_001407660.1, NM_001407661.1 and 1 more transcripts); and 40 more.
Identifiers: ClinVar variation 184378 (VCV000184378.29), dbSNP rs786201429, ClinGen allele CA001217.
Genomic context (GRCh38, chr17:43,093,656, plus strand): 5'-AGAACAACTATCAATTTGCAATTCAGTACAATTAGGTGGGCTTAGATTTCTACTGACTAC[T>C]AGTTCAAGCGCATGAATATGCCTGGTAGAAGACTTCCTCCTCAGCCTATTCTTTTTAGGT-3'
Protein context (NP_009225.1, residues 615-635): SSTRHIHALE[Leu625=]VVSRNLSPPN